The following is an entry in ClinVar:

ClinVar aggregate classification (germline): Likely pathogenic (1 of 4 stars; one submission).

Conditions:
Brown-Vialetto-van Laere syndrome 1. Also called: BROWN-VIALETTO-VAN LAERE SYNDROME 1, MILD; BULBAR PALSY, PROGRESSIVE, WITH SENSORINEURAL DEAFNESS; PONTOBULBAR PALSY WITH DEAFNESS. Identifiers: Orphanet 572550, Orphanet 97229, MedGen C0796274, MONDO:0024537, OMIM 211530.

Submission:

Victorian Clinical Genetics Services, Murdoch Childrens Research Institute
Classification: Likely pathogenic for Brown-Vialetto-van Laere syndrome 1. Last evaluated: 2020-10-19. Review status: criteria provided, single submitter. Criteria: ACMG Guidelines, 2015. Collection method: clinical testing. Allele origin: germline. Inheritance: Autosomal recessive inheritance.
Comment: Based on the classification scheme VCGS_Germline_v1.3.3, this variant is classified as likely pathogenic. Following criteria are met: 0102 - Loss of function is a known mechanism of disease in this gene and is associated with Brown-Vialetto-Van Laere syndrome 1 (MIM#211530). (I) 0106 - This gene is associated with autosomal recessive disease. (I) 0200 - Variant is predicted to result in a missense amino acid change from glycine to aspartic acid. (I) 0252 - This variant is homozygous. (I) 0301 - Variant is absent from gnomAD (both v2 and v3). (SP) 0502 - Missense variant with conflicting in silico predictions and uninformative conservation. (I) 0604 - Variant is not located in an established domain, motif, hotspot or informative constraint region. (I) 0705 - No comparable missense variants have previous evidence for pathogenicity. (I) 0807 - This variant has no previous evidence of pathogenicity. (I) 0905 - No published segregation evidence has been identified for this variant. (I) 1005 - Clinically accredited laboratory assay specific to gene product shows abnormal protein function, where this patient’s cells displayed riboflavin deficiency. (SP) 1102 - Strong phenotype match for this patient. (SP) 1209 - This variant has been shown to be biallelic (VCGS #20G002327, 20G002329). (I) Legend: (SP) - Supporting pathogenic, (I) - Information, (SB) - Supporting benign

NM_033409.4(SLC52A3):c.1316G>A (p.Gly439Asp)

Gene: SLC52A3 (solute carrier family 52 member 3; minus strand). Cytogenetic location: 20p13.
Variant type: single nucleotide variant.
Coding change: c.1316G>A on transcript NM_033409.4 (MANE Select); coding-DNA position 1316, G replaced by A.
Protein change: p.Gly439Asp; replaces glycine 439 with aspartic acid.
Molecular consequence: missense variant.
Genome position (GRCh38, 1-based): chr20:761,120, C>T on the plus strand (G>A on the coding strand, the complement: SLC52A3 is on the minus strand). VCF-style: chr20-761120-C-T. GRCh37 (hg19) VCF-style: chr20-741764-C-T.
Other names: c.1316G>A, p.Gly439Asp (NM_001370085.1, NM_001370086.1); short protein forms G439D.
Identifiers: ClinVar variation 488380 (VCV000488380.3), dbSNP rs1555783467, ClinGen allele CA407961889.